The following is an entry in ClinVar:

ClinVar aggregate classification (germline): Likely benign. Review status: criteria provided, multiple submitters, no conflicts (2 of 4 stars). 2 submissions from 2 submitters: Likely benign (2). Last evaluated 2025-08-21.

Conditions:
Tuberous sclerosis 2 (TSC2). Identifiers: Orphanet 805, MedGen C1860707, MONDO:0013199, OMIM 613254.

gnomAD v4.1: 3 of 1,609,410 alleles (0.00019%); highest among the groups gnomAD compares: Non-Finnish European, 0.00025%; no homozygotes.

Submissions (2):

Labcorp Genetics (formerly Invitae), Labcorp
Classification: Likely benign for Tuberous sclerosis 2. Last evaluated: 2025-08-21. Review status: criteria provided, single submitter. Criteria: Invitae Variant Classification Sherloc (09022015). Collection method: clinical testing. Allele origin: germline.

Myriad Genetics, Inc.
Classification: Likely benign for Tuberous sclerosis 2. Last evaluated: 2025-06-02. Review status: criteria provided, single submitter. Criteria: Myriad Autosomal Dominant, Autosomal Recessive and X-Linked Classification Criteria (2023). Collection method: clinical testing. Allele origin: unknown.
Comment: This variant is considered likely benign. This variant is intronic and is not expected to impact mRNA splicing.

NM_000548.5(TSC2):c.4005+10G>A

Gene: TSC2 (TSC complex subunit 2; plus strand). Cytogenetic location: 16p13.3.
Variant type: single nucleotide variant.
Coding change: c.4005+10G>A on transcript NM_000548.5 (MANE Select); 10 bases into the intron after coding-DNA position 4005, G replaced by A.
Molecular consequence: intron variant.
Genome position (GRCh38, 1-based): chr16:2,083,826, G>A. VCF-style: chr16-2083826-G-A. GRCh37 (hg19) VCF-style: chr16-2133827-G-A.
Other names: c.2460+10G>A (NM_001406697.1, NM_001406695.1, NM_001406696.1); c.2202+10G>A (NM_001406698.1); c.3936+10G>A (NM_001114382.3); c.4002+10G>A (NM_001406663.1); c.3933+10G>A (NM_001406664.1); c.3876+10G>A (NM_021055.3, NM_001370405.1); c.3807+10G>A (NM_001363528.2); c.3927+10G>A (NM_001406665.1); and 26 more.
Identifiers: ClinVar variation 4071177 (VCV004071177.2).